The following is an entry in ClinVar:

ClinVar aggregate classification (germline): Uncertain significance (1 of 4 stars; one submission).

Conditions:
Jeffries-Lakhani neurodevelopmental syndrome. Identifiers: MedGen C5935596, MONDO:0958329, OMIM 620771.

Submission:

3billion
Classification: Uncertain significance for Jeffries-Lakhani neurodevelopmental syndrome. Last evaluated: 2025-12-31. Review status: criteria provided, single submitter. Criteria: ACMG Guidelines, 2015. Collection method: clinical testing. Allele origin: germline. Affected: yes.
Comment: The variant is observed at an extremely low frequency in the gnomAD v4.1.0 dataset (total allele frequency: 0.002%). Predicted Consequence/Location: Missense variant In silico tool predictions suggest no damaging effect of the variant on gene or gene product [REVEL: 0.35 (<0.4); 3Cnet: 0.00 (<0.1, specificity 0.84 and negative predicitive value 0.97)]. The same nucleotide change resulting in the same amino acid change has been previously reported to be associated with CRELD1-related disorder (PMID: 37947183). However, the evidence of pathogenicity is insufficient at this time. The variant has been reported to be in trans with a pathogenic variant as either compound heterozygous or homozygous in at least one similarly affected unrelated individual (PMID: 37947183). Therefore, this variant is classified as VUS according to the recommendation of ACMG/AMP guideline.

Literature cited by the submitters: PubMed 37947183.

NM_001077415.3(CRELD1):c.1139C>T (p.Thr380Met)

Gene: CRELD1 (CRELD disulfide isomerase 1; plus strand). Cytogenetic location: 3p25.3.
Variant type: single nucleotide variant.
Coding change: c.1139C>T on transcript NM_001077415.3 (MANE Select); coding-DNA position 1139, C replaced by T.
Protein change: p.Thr380Met; replaces threonine 380 with methionine.
Molecular consequence: missense variant. On other transcripts: 3 prime UTR variant (4), non-coding transcript variant (3).
Genome position (GRCh38, 1-based): chr3:9,944,455, C>T. VCF-style: chr3-9944455-C-T. GRCh37 (hg19) VCF-style: chr3-9986139-C-T.
Other names: c.*64C>T (NM_001031717.4, NM_001374317.1, NM_001374318.1); c.1139C>T, p.Thr380Met (NM_001374316.1, NM_015513.6); c.1055C>T, p.Thr352Met (NM_001374319.1, NM_001374320.1); c.*704C>T (NM_001410713.1); short protein forms T352M, T380M.
Identifiers: ClinVar variation 4856226 (VCV004856226.1).
Genomic context (GRCh38, chr3:9,944,455, plus strand): 5'-AAGACGAGTTGGTGGTGCTGCAGCAGATGTTCTTTGGCATCATCATCTGTGCACTGGCCA[C>T]GCTGGCTGCTAAGGGCGACTTGGTGTTCACCGCCATCTTCATTGGGGCTGTGGCGGCCAT-3'
Protein context (NP_001070883.2, residues 370-390): FFGIIICALA[Thr380Met]LAAKGDLVFT